The following is an entry in ClinVar:

NM_015221.4(DNMBP):c.2261-21218G>A

Genes: DNMBP (dynamin binding protein; minus strand), DNMBP-AS1 (DNMBP antisense RNA 1; plus strand). Cytogenetic location: 10q24.2.
Variant type: single nucleotide variant.
Coding change: c.2261-21218G>A on transcript NM_015221.4 (MANE Select); 21218 bases into the intron before coding-DNA position 2261, G replaced by A.
Molecular consequence: intron variant. On other transcripts: missense variant (1).
Genome position (GRCh38, 1-based): chr10:99,930,364, C>T on the plus strand (G>A on the coding strand, the complement: DNMBP is on the minus strand). VCF-style: chr10-99930364-C-T. GRCh37 (hg19) VCF-style: chr10-101690121-C-T.
Other names: c.400G>A, p.Gly134Arg (NM_001318326.2); short protein forms G134R.
Identifiers: ClinVar variation 3042017 (VCV003042017.2), dbSNP rs115073424, ClinGen allele CA5645016.
Genomic context (GRCh38, chr10:99,930,364, plus strand): 5'-TTTTAGAGTCCTCAGGATTATAATTCAGATTCTTACAGTCTGAGTAGCCATTTGCCTCCC[C>T]GTATCCACCAGCTTTCGAGGTCACATCTGGGCTTCTCGTAGGTGAATTATCCTTCGTCCC-3'

ClinVar aggregate classification (germline): Benign (0 of 4 stars; one submission).

Conditions:
DNMBP-related disorder. Also called: DNMBP-related condition.

Allele frequency attached by ClinVar (database versions not stated): gnomAD exomes 0.00077; ExAC 0.00106; 1000 Genomes Project 0.00619; gnomAD 0.00681; 1000 Genomes Project 30x 0.00687; TOPMed 0.00727.
gnomAD v4.1: 1,473 of 702,966 alleles (0.21%); highest among the groups gnomAD compares: African/African-American, 2.3%; 14 homozygotes.

Submission:

PreventionGenetics, part of Exact Sciences
Classification: Benign for DNMBP-related condition. Last evaluated: 2019-04-11. Review status: no assertion criteria provided. Collection method: clinical testing. Allele origin: germline.
Comment: This variant is classified as benign based on ACMG/AMP sequence variant interpretation guidelines (Richards et al. 2015 PMID: 25741868, with internal and published modifications).